The following is an entry in ClinVar:

NM_025179.4(PLXNA2):c.1676G>A (p.Cys559Tyr)

Gene: PLXNA2 (plexin A2; minus strand). Cytogenetic location: 1q32.2.
Variant type: single nucleotide variant.
Coding change: c.1676G>A on transcript NM_025179.4 (MANE Select); coding-DNA position 1676, G replaced by A.
Protein change: p.Cys559Tyr; replaces cysteine 559 with tyrosine.
Molecular consequence: missense variant.
Genome position (GRCh38, 1-based): chr1:208,098,901, C>T on the plus strand (G>A on the coding strand, the complement: PLXNA2 is on the minus strand). VCF-style: chr1-208098901-C-T. GRCh37 (hg19) VCF-style: chr1-208272246-C-T.
Other names: short protein forms C559Y.
Identifiers: ClinVar variation 5001301 (VCV005001301.1).

ClinVar aggregate classification (germline): Uncertain significance (1 of 4 stars; one submission).

Conditions:
PLXNA2-related disorder. Also called: PLXNA2-related condition.

gnomAD v4.1: 2 of 1,613,902 alleles (0.00012%); highest among the groups gnomAD compares: Non-Finnish European, 0.00017%; no homozygotes.

Submission:

PreventionGenetics, part of Exact Sciences
Classification: Uncertain significance for PLXNA2-related condition. Last evaluated: 2024-10-11. Review status: criteria provided, single submitter. Criteria: ACMG Guidelines, 2015. Collection method: clinical testing. Allele origin: germline.
Comment: The PLXNA2 c.1676G>A variant is predicted to result in the amino acid substitution p.Cys559Tyr. To our knowledge, this variant has not been reported in the literature or in a large population database (gnomAD), indicating this variant is rare. At this time, the clinical significance of this variant is uncertain due to the absence of conclusive functional and genetic evidence.